The following is an entry in ClinVar:

NM_005359.6(SMAD4):c.795dup (p.Thr266fs)

Gene: SMAD4 (SMAD family member 4; plus strand). Cytogenetic location: 18q21.2.
Variant type: Duplication.
Coding change: c.795dup on transcript NM_005359.6 (MANE Select); coding-DNA position 795, one base duplicated (T; older notation c.795dupT).
Protein change: p.Thr266fs; shifts the reading frame from threonine 266.
Molecular consequence: frameshift variant. On other transcripts: non-coding transcript variant (2).
Genome position (GRCh38, 1-based): chr18:51,058,347, T duplicated. VCF-style (leftmost placement, unchanged base first): chr18-51058346-C-CT. GRCh37 (hg19) VCF-style: chr18-48584716-C-CT.
Other names: c.795dup, p.Thr266fs (NM_001407041.1, NM_001407042.1, NM_001407043.1); short protein forms T266fs.
Identifiers: ClinVar variation 4713636 (VCV004713636.1).

ClinVar aggregate classification (germline): Pathogenic (1 of 4 stars; one submission).

Conditions:
Juvenile polyposis syndrome (JPS). Identifiers: Orphanet 2929, MedGen C0345893, MONDO:0017380, OMIM 174900.

Submission:

Labcorp Genetics (formerly Invitae), Labcorp
Classification: Pathogenic for Juvenile polyposis syndrome. Last evaluated: 2025-02-22. Review status: criteria provided, single submitter. Criteria: Invitae Variant Classification Sherloc (09022015). Collection method: clinical testing. Allele origin: germline.
Comment: This sequence change creates a premature translational stop signal (p.Thr266Tyrfs*7) in the SMAD4 gene. It is expected to result in an absent or disrupted protein product. Loss-of-function variants in SMAD4 are known to be pathogenic (PMID: 16152648, 16436638, 22810475). This variant is not present in population databases (gnomAD no frequency). This variant has not been reported in the literature in individuals affected with SMAD4-related conditions. For these reasons, this variant has been classified as Pathogenic.

Literature cited by the submitters: PubMed 16152648; PubMed 16436638; PubMed 22810475.